The following is an entry in ClinVar:

NM_001042492.3(NF1):c.6820-2A>C

Gene: NF1 (neurofibromin 1; plus strand). Cytogenetic location: 17q11.2.
Variant type: single nucleotide variant.
Coding change: c.6820-2A>C on transcript NM_001042492.3 (MANE Select); the canonical splice acceptor site of the intron before coding-DNA position 6820, A replaced by C.
Molecular consequence: splice acceptor variant.
Genome position (GRCh38, 1-based): chr17:31,338,702, A>C. VCF-style: chr17-31338702-A-C. GRCh37 (hg19) VCF-style: chr17-29665720-A-C.
Other names: c.6757-2A>C (NM_000267.3, NM_000267.4).
Identifiers: ClinVar variation 1048727 (VCV001048727.9), dbSNP rs2151559073, ClinGen allele CA399014234.
Genomic context (GRCh38, chr17:31,338,702, plus strand): 5'-AGTTTAGGAGTTAATGTTTTATTTCAATGAAAGTAAAATAAAAAATTCTGTTTTCCTAAA[A>C]GGCACTTGAGAGTTGCTTAAAAGGACCTGACACTTACAACAGTCAAGTTCTGATAGAAGC-3'

ClinVar aggregate classification (germline): Pathogenic. Review status: criteria provided, multiple submitters, no conflicts (2 of 4 stars). 3 submissions from 3 submitters: Pathogenic (2). 1 of the submissions does not count toward it. Last evaluated 2023-05-26.

Conditions:
Cardiovascular phenotype. Identifiers: MedGen CN230736.
Hereditary cancer-predisposing syndrome. Also called: Hereditary Cancer Syndrome; Tumor predisposition; Hereditary neoplastic syndrome; Neoplastic Syndromes, Hereditary. Identifiers: Orphanet 140162, MedGen C0027672, MeSH D009386, MONDO:0015356.
Neurofibromatosis, type 1 (NF1). Also called: Peripheral type neurofibromatosis; Neurofibromatosis, type I; VON RECKLINGHAUSEN DISEASE; NEUROFIBROMATOSIS, TYPE I, SOMATIC. Identifiers: Orphanet 636, MedGen C0027831, MONDO:0018975, OMIM 162200. Disease mechanism: loss of function.

Submissions (3):

Labcorp Genetics (formerly Invitae), Labcorp
Classification: Pathogenic for Neurofibromatosis, type 1. Last evaluated: 2023-05-26. Review status: criteria provided, single submitter. Criteria: Invitae Variant Classification Sherloc (09022015). Collection method: clinical testing. Allele origin: germline.
Comment: For these reasons, this variant has been classified as Pathogenic. Algorithms developed to predict the effect of sequence changes on RNA splicing suggest that this variant may disrupt the consensus splice site. ClinVar contains an entry for this variant (Variation ID: 1048727). This variant is also known as c.6820-2A>C. Disruption of this splice site has been observed in individual(s) with neurofibromatosis type 1 (PMID: 23668869, 25074460, 27999334, 28529006, 30308447). This variant is not present in population databases (gnomAD no frequency). This sequence change affects an acceptor splice site in intron 44 of the NF1 gene. It is expected to disrupt RNA splicing. Variants that disrupt the donor or acceptor splice site typically lead to a loss of protein function (PMID: 16199547), and loss-of-function variants in NF1 are known to be pathogenic (PMID: 10712197, 23913538).

Ambry Genetics
Classification: Pathogenic for Cardiovascular phenotype; Hereditary cancer-predisposing syndrome. Last evaluated: 2018-05-29. Review status: criteria provided, single submitter. Criteria: Ambry Variant Classification Scheme 2023. Collection method: clinical testing. Allele origin: germline.
Comment: The c.6757-2A>C intronic pathogenic mutation results from an A to C substitution two nucleotides upstream from coding exon 45 in the NF1 gene. This mutation was detected in two individuals with clinical diagnosis of neurofibromatosis type 1 (Pasmant E et al. Eur. J. Hum. Genet., 2015 May;23:596-601; Hutter S et al. Hum. Genet., 2016 May;135:469-75). In addition to the clinical data presented in the literature, alterations that disrupt the canonical splice site are expected to cause aberrant splicing, resulting in an abnormal protein or a transcript that is subject to nonsense-mediated mRNA decay. As such, this alteration is classified as a disease-causing mutation.

Laboratory of Medical Genetics, National & Kapodistrian University of Athens
Classification: Pathogenic for Neurofibromatosis, type 1. Last evaluated: 2019-01-01. Review status: no assertion criteria provided. Collection method: clinical testing. Allele origin: germline. Affected: yes. Not counted in ClinVar's aggregate classification.

Literature cited by the submitters: PubMed 23668869 (cited by Labcorp Genetics (formerly Invitae), Labcorp); PubMed 25074460 (cited by Labcorp Genetics (formerly Invitae), Labcorp); PubMed 27999334 (cited by Labcorp Genetics (formerly Invitae), Labcorp); PubMed 28529006 (cited by Labcorp Genetics (formerly Invitae), Labcorp); PubMed 30308447 (cited by Labcorp Genetics (formerly Invitae), Labcorp); PubMed 16199547 (cited by Labcorp Genetics (formerly Invitae), Labcorp); PubMed 10712197 (cited by Labcorp Genetics (formerly Invitae), Labcorp); PubMed 23913538 (cited by Labcorp Genetics (formerly Invitae), Labcorp).